The following is an entry in ClinVar:

NM_004360.5(CDH1):c.236C>G (p.Thr79Arg)

Gene: CDH1 (cadherin 1; plus strand). Cytogenetic location: 16q22.1.
Variant type: single nucleotide variant.
Coding change: c.236C>G on transcript NM_004360.5 (MANE Select); coding-DNA position 236, C replaced by G.
Protein change: p.Thr79Arg; replaces threonine 79 with arginine.
Molecular consequence: missense variant. On other transcripts: 5 prime UTR variant (2).
Genome position (GRCh38, 1-based): chr16:68,801,742, C>G. VCF-style: chr16-68801742-C-G. GRCh37 (hg19) VCF-style: chr16-68835645-C-G.
Other names: c.236C>G (LRG_301t1); c.236C>G, p.Thr79Arg (NM_001317184.2); c.-1380C>G (NM_001317185.2); c.-1584C>G (NM_001317186.2); short protein forms T79R.
Identifiers: ClinVar variation 230058 (VCV000230058.9), dbSNP rs876658359, ClinGen allele CA10580078.

ClinVar aggregate classification (germline): Uncertain significance. Review status: criteria provided, multiple submitters, no conflicts (2 of 4 stars). 4 submissions from 4 submitters: Uncertain significance (4). Last evaluated 2026-01-06.

Conditions:
Hereditary cancer-predisposing syndrome. Also called: Hereditary Cancer Syndrome; Neoplastic Syndromes, Hereditary; Tumor predisposition; Hereditary neoplastic syndrome. Identifiers: Orphanet 140162, MedGen C0027672, MeSH D009386, MONDO:0015356.
Hereditary diffuse gastric adenocarcinoma (HDGC). Also called: DIFFUSE GASTRIC AND LOBULAR BREAST CANCER SYNDROME. Identifiers: Orphanet 26106, MedGen C1708349, MONDO:0007648, OMIM 137215.
Familial cancer of breast. Also called: Hereditary breast cancer; hereditary breast carcinoma; BREAST CANCER, FAMILIAL. Identifiers: Orphanet 227535, MedGen C0346153, MONDO:0016419, OMIM 114480. Disease mechanism: loss of function.

Allele frequency attached by ClinVar (database versions not stated): gnomAD exomes below 0.00001.
gnomAD v4.1: 1 of 1,614,202 alleles (0.000062%); highest among the groups gnomAD compares: Non-Finnish European, 0.000085%; no homozygotes.

Submissions (4):

Labcorp Genetics (formerly Invitae), Labcorp
Classification: Uncertain significance for Hereditary diffuse gastric adenocarcinoma. Last evaluated: 2026-01-06. Review status: criteria provided, single submitter. Criteria: Invitae Variant Classification Sherloc (09022015). Collection method: clinical testing. Allele origin: germline.
Comment: This sequence change replaces threonine, which is neutral and polar, with arginine, which is basic and polar, at codon 79 of the CDH1 protein (p.Thr79Arg). This variant is not present in population databases (gnomAD no frequency). This variant has not been reported in the literature in individuals affected with CDH1-related conditions. ClinVar contains an entry for this variant (Variation ID: 230058). An algorithm developed to predict the effect of missense changes on protein structure and function (PolyPhen-2) suggests that this variant is likely to be tolerated. In summary, the available evidence is currently insufficient to determine the role of this variant in disease. Therefore, it has been classified as a Variant of Uncertain Significance.

Ambry Genetics
Classification: Uncertain significance for Hereditary cancer-predisposing syndrome. Last evaluated: 2023-11-20. Review status: criteria provided, single submitter. Criteria: Ambry Variant Classification Scheme 2023. Collection method: clinical testing. Allele origin: germline.
Comment: The p.T79R variant (also known as c.236C>G), located in coding exon 3 of the CDH1 gene, results from a C to G substitution at nucleotide position 236. The threonine at codon 79 is replaced by arginine, an amino acid with similar properties. This amino acid position is not well conserved in available vertebrate species. In addition, this alteration is predicted to be tolerated by in silico analysis. Since supporting evidence is limited at this time, the clinical significance of this alteration remains unclear.

Baylor Genetics
Classification: Uncertain significance for Familial cancer of breast. Last evaluated: 2023-06-15. Review status: criteria provided, single submitter. Criteria: ACMG Guidelines, 2015. Collection method: clinical testing. Allele origin: unknown.

GeneDx
Classification: Uncertain significance. Last evaluated: 2020-06-09. Review status: criteria provided, single submitter. Criteria: GeneDx Variant Classification Process June 2021. Collection method: clinical testing. Allele origin: germline. Affected: yes.
Comment: Not observed in large population cohorts (Lek et al., 2016); In silico analysis supports that this missense variant does not alter protein structure/function; Has not been previously published as pathogenic or benign to our knowledge